The following is an entry in ClinVar:

NM_020778.5(ALPK3):c.1573C>A (p.Pro525Thr)

Genes: ALPK3 (alpha kinase 3; plus strand), LOC111718493 (skeletal muscle cis-regulatory module overlapping ALPK3; plus strand). Cytogenetic location: 15q25.3.
Variant type: single nucleotide variant.
Coding change: c.1573C>A on transcript NM_020778.5 (MANE Select); coding-DNA position 1573, C replaced by A.
Protein change: p.Pro525Thr; replaces proline 525 with threonine.
Molecular consequence: missense variant.
Genome position (GRCh38, 1-based): chr15:84,840,852, C>A. VCF-style: chr15-84840852-C-A. GRCh37 (hg19) VCF-style: chr15-85384083-C-A.
Other names: short protein forms P525T.
Identifiers: ClinVar variation 1961822 (VCV001961822.5), dbSNP rs371508772, ClinGen allele CA273666643.

ClinVar aggregate classification (germline): Uncertain significance (1 of 4 stars; one submission).

Allele frequency attached by ClinVar (database versions not stated): gnomAD 0.00001; ESP Exome Variant Server 0.00008.
gnomAD v4.1: 3 of 1,614,014 alleles (0.00019%); highest among the groups gnomAD compares: Non-Finnish European, 0.00025%; no homozygotes.

Submission:

Labcorp Genetics (formerly Invitae), Labcorp
Classification: Uncertain significance. Last evaluated: 2023-08-11. Review status: criteria provided, single submitter. Criteria: Invitae Variant Classification Sherloc (09022015). Collection method: clinical testing. Allele origin: germline.
Comment: In summary, the available evidence is currently insufficient to determine the role of this variant in disease. Therefore, it has been classified as a Variant of Uncertain Significance. This sequence change replaces proline, which is neutral and non-polar, with threonine, which is neutral and polar, at codon 727 of the ALPK3 protein (p.Pro727Thr). This variant has not been reported in the literature in individuals affected with ALPK3-related conditions. This variant is not present in population databases (gnomAD no frequency). An algorithm developed to predict the effect of missense changes on protein structure and function (PolyPhen-2) suggests that this variant is likely to be disruptive. ClinVar contains an entry for this variant (Variation ID: 1961822).